The following is an entry in ClinVar:

NM_001903.5(CTNNA1):c.360G>A (p.Lys120=)

Gene: CTNNA1 (catenin alpha 1; plus strand). Cytogenetic location: 5q31.2.
Variant type: single nucleotide variant.
Coding change: c.360G>A on transcript NM_001903.5 (MANE Select); coding-DNA position 360, G replaced by A.
Protein change: p.Lys120=; no amino-acid change (lysine 120 retained).
Molecular consequence: synonymous variant. On other transcripts: intron variant (1).
Genome position (GRCh38, 1-based): chr5:138,810,096, G>A. VCF-style: chr5-138810096-G-A. GRCh37 (hg19) VCF-style: chr5-138145785-G-A.
Other names: c.360G>A, p.Lys120= (NM_001290307.3, NM_001323982.2, NM_001323983.1 and 3 more transcripts); c.51G>A, p.Lys17= (NM_001290309.3); c.-5-5G>A (NM_001290310.3).
Identifiers: ClinVar variation 3773354 (VCV003773354.1).

ClinVar aggregate classification (germline): Benign (1 of 4 stars; one submission).

Conditions:
Hereditary diffuse gastric adenocarcinoma (HDGC). Also called: DIFFUSE GASTRIC AND LOBULAR BREAST CANCER SYNDROME. Identifiers: Orphanet 26106, MedGen C1708349, MONDO:0007648, OMIM 137215.

Submission:

Myriad Genetics, Inc.
Classification: Benign for Hereditary diffuse gastric adenocarcinoma. Last evaluated: 2024-10-09. Review status: criteria provided, single submitter. Criteria: Myriad Autosomal Dominant, Autosomal Recessive and X-Linked Classification Criteria (2023). Collection method: clinical testing. Allele origin: unknown.
Comment: This variant is considered benign. This variant is a silent/synonymous amino acid change and it is not expected to impact splicing.